The following is an entry in ClinVar:

ClinVar aggregate classification (germline): Likely pathogenic (1 of 4 stars; one submission).

Conditions:
NIPBL-related disorder. Also called: NIPBL-related condition.

Submission:

PreventionGenetics, part of Exact Sciences
Classification: Likely pathogenic for NIPBL-related condition. Last evaluated: 2023-09-05. Review status: criteria provided, single submitter. Criteria: ACMG Guidelines, 2015. Collection method: clinical testing. Allele origin: germline.
Comment: The NIPBL c.73C>T variant is predicted to result in premature protein termination (p.Gln25*). To our knowledge, this variant has not been reported in the literature or in a large population database, indicating this variant is rare. Nonsense variants in NIPBL are expected to be pathogenic. This variant is interpreted as likely pathogenic.

NM_133433.4(NIPBL):c.73C>T (p.Gln25Ter)

Gene: NIPBL (NIPBL cohesin loading factor; plus strand). Cytogenetic location: 5p13.2.
Variant type: single nucleotide variant.
Coding change: c.73C>T on transcript NM_133433.4 (MANE Select); coding-DNA position 73, C replaced by T.
Protein change: p.Gln25Ter; replaces glutamine 25 with a stop codon.
Molecular consequence: nonsense.
Genome position (GRCh38, 1-based): chr5:36,955,480, C>T. VCF-style: chr5-36955480-C-T. GRCh37 (hg19) VCF-style: chr5-36955582-C-T.
Other names: c.73C>T, p.Gln25Ter (NM_015384.5); short protein forms Q25*.
Identifiers: ClinVar variation 2630808 (VCV002630808.1), dbSNP rs2478986417, ClinGen allele CA359473751.